The following is an entry in ClinVar:

NM_001039876.3(SYNE4):c.363G>A (p.Gln121=)

Gene: SYNE4 (spectrin repeat containing nuclear envelope family member 4; minus strand). Cytogenetic location: 19q13.12.
Variant type: single nucleotide variant.
Coding change: c.363G>A on transcript NM_001039876.3 (MANE Select); coding-DNA position 363, G replaced by A.
Protein change: p.Gln121=; no amino-acid change (glutamine 121 retained).
Molecular consequence: synonymous variant. On other transcripts: intron variant (1).
Genome position (GRCh38, 1-based): chr19:36,007,185, C>T on the plus strand (G>A on the coding strand, the complement: SYNE4 is on the minus strand). VCF-style: chr19-36007185-C-T. GRCh37 (hg19) VCF-style: chr19-36498087-C-T.
Other names: c.280-514G>A (NM_001297735.3).
Identifiers: ClinVar variation 227085 (VCV000227085.17), dbSNP rs73607773, ClinGen allele CA9393956.
Genomic context (GRCh38, chr19:36,007,185, plus strand): 5'-CTGCAGCTGCACCATCCCACTCTGGGCCAATGCCCAGTGCCCCAGGCCTTGCTCCAGGTC[C>T]TGCAGCCGGCGGCCCAGCCCCAGCAGGCACAGGTGCAGGCTGTTCTGCTCAGCCTCTAGT-3'
Protein context (NP_001034965.1, residues 111-131): LCLLGLGRRL[Gln121=]DLEQGLGHWA

ClinVar aggregate classification (germline): Benign. Review status: criteria provided, multiple submitters, no conflicts (2 of 4 stars). 4 submissions from 4 submitters: Benign (4). Last evaluated 2026-02-04.

Allele frequency attached by ClinVar (database versions not stated): gnomAD exomes 0.00080 and 0.00195; ExAC 0.00382; 1000 Genomes Project 0.00739; ESP Exome Variant Server 0.00797; 1000 Genomes Project 30x 0.00843; gnomAD 0.00849 and 0.00926; TOPMed 0.00982.
gnomAD v4.1: 2,500 of 1,585,708 alleles (0.16%); highest among the groups gnomAD compares: African/African-American, 3%; 33 homozygotes.

Submissions (4):

Labcorp Genetics (formerly Invitae), Labcorp
Classification: Benign. Last evaluated: 2026-02-04. Review status: criteria provided, single submitter. Criteria: Invitae Variant Classification Sherloc (09022015). Collection method: clinical testing. Allele origin: germline.

GeneDx
Classification: Benign. Last evaluated: 2018-08-10. Review status: criteria provided, single submitter. Criteria: GeneDx Variant Classification Process June 2021. Collection method: clinical testing. Allele origin: germline. Affected: yes.

Laboratory for Molecular Medicine, Mass General Brigham Personalized Medicine
Classification: Benign. Last evaluated: 2014-11-24. Review status: criteria provided, single submitter. Criteria: LMM Criteria. Collection method: clinical testing. Allele origin: germline. Observed: 1 variant allele.
Comment: Gln121Gln in exon 3 of SYNE4: This variant is not expected to have clinical sign ificance because it does not alter an amino acid residue and is not located with in the splice consensus sequence. It has been identified in 2.4% (97/3984) of Af rican American chromosomes from a broad population by the NHLBI Exome Sequencing Project (dbSNP rs73607773).

Breakthrough Genomics
Classification: Benign. Review status: criteria provided, single submitter. Criteria: ACMG Guidelines, 2015. Collection method: not provided. Allele origin: germline. Inheritance: Autosomal recessive inheritance. Affected: yes.